The following is an entry in ClinVar:

NM_000138.5(FBN1):c.8502T>C (p.Thr2834=)

Gene: FBN1 (fibrillin 1; minus strand). Cytogenetic location: 15q21.1.
Variant type: single nucleotide variant.
Coding change: c.8502T>C on transcript NM_000138.5 (MANE Select); coding-DNA position 8502, T replaced by C.
Protein change: p.Thr2834=; no amino-acid change (threonine 2834 retained).
Molecular consequence: synonymous variant.
Genome position (GRCh38, 1-based): chr15:48,411,104, A>G on the plus strand (T>C on the coding strand, the complement: FBN1 is on the minus strand). VCF-style: chr15-48411104-A-G. GRCh37 (hg19) VCF-style: chr15-48703301-A-G.
Other names: p.T2834T:ACT>ACC; p.Thr2834=.
Identifiers: ClinVar variation 36132 (VCV000036132.70), dbSNP rs363847, ClinGen allele CA017797.

ClinVar aggregate classification (germline): Conflicting classifications of pathogenicity. Review status: criteria provided, conflicting classifications (1 of 4 stars). 24 submissions from 18 submitters: Uncertain significance (1); Benign (14); Likely benign (6). 3 of the submissions do not count toward it. Last evaluated 2026-08-01.

Conditions:
Geleophysic dysplasia. Identifiers: Orphanet 2623, MedGen C3489726, MONDO:0000127.
Weill-Marchesani syndrome. Also called: WM Syndrome; Mesodermal dysmorphodystrophy congenital. Identifiers: Orphanet 3449, MedGen C0265313, MONDO:0018096.
Familial thoracic aortic aneurysm and aortic dissection (TAAD). Also called: Thoracic aortic aneurysms and dissections. Identifiers: Orphanet 91387, MedGen C4707243, MONDO:0019625.
Marfan syndrome (MFS). Also called: MARFAN SYNDROME, TYPE I; Marfan syndrome, classic; FBN1-Related Marfan Syndrome; Marfan syndrome type 1; Marfan's syndrome. Identifiers: Orphanet 284963, Orphanet 558, MedGen C0024796, MONDO:0007947, OMIM 154700.
Acromicric dysplasia (ACMICD). Also called: Acromicric skeletal dysplasia. Identifiers: Orphanet 969, MedGen C0265287, MONDO:0007055, OMIM 102370.
Stiff skin syndrome (SSKS). Identifiers: Orphanet 2833, MedGen C1861456, MONDO:0008492, OMIM 184900.
Ectopia lentis 1, isolated, autosomal dominant (ECTOL1). Identifiers: Orphanet 1885, MedGen C3541518, MONDO:0007514, OMIM 129600.
FBN1-related disorder. Also called: FBN1-related disorders.

Allele frequency attached by ClinVar (database versions not stated): 1000 Genomes Project 30x 0.00062; gnomAD exomes 0.00111 and 0.00234; gnomAD 0.00145 and 0.00148; TOPMed 0.00148; ExAC 0.00100; ESP Exome Variant Server 0.00239; 1000 Genomes Project 0.00060.
gnomAD v4.1: 3,612 of 1,614,062 alleles (0.22%); highest among the groups gnomAD compares: Non-Finnish European, 0.28%; 9 homozygotes.

Submissions (24):

CeGaT Center for Human Genetics Tuebingen
Classification: Likely benign. Last evaluated: 2026-08-01. Review status: criteria provided, single submitter. Criteria: CeGaT Center For Human Genetics Tuebingen Variant Classification Criteria Version 2. Collection method: clinical testing. Allele origin: germline. Affected: yes. Observed: 13 variant alleles.
Comment: FBN1: BP4, BP7, BS1

Labcorp Genetics (formerly Invitae), Labcorp
Classification: Benign for Marfan syndrome; Familial thoracic aortic aneurysm and aortic dissection. Last evaluated: 2026-02-03. Review status: criteria provided, single submitter. Criteria: Invitae Variant Classification Sherloc (09022015). Collection method: clinical testing. Allele origin: germline.

ARUP Laboratories, Molecular Genetics and Genomics, ARUP Laboratories
Classification: Benign. Last evaluated: 2025-04-07. Review status: criteria provided, single submitter. Criteria: ARUP Molecular Germline Variant Investigation Process 2024. Collection method: clinical testing. Allele origin: germline.

Blueprint Genetics
Classification: Likely benign. Last evaluated: 2024-11-26. Review status: criteria provided, single submitter. Criteria: ACMG Guidelines, 2015. Collection method: clinical testing. Allele origin: germline.

All of Us Research Program, National Institutes of Health
Classification: Benign for Marfan syndrome. Last evaluated: 2024-02-05. Review status: criteria provided, single submitter. Criteria: ACMG Guidelines, 2015. Collection method: clinical testing. Allele origin: germline. Inheritance: Autosomal dominant inheritance. Observed: 383 variant alleles, 383 heterozygotes.
Comment: This study involves interpretation of variants in research participants for the purpose of population health screening. Participant phenotype was not available at the time of variant classification. Additional details can be found in publication PMID: 35346344, PMCID: PMC8962531

Center for Human Genetics, Inc
Classification: Likely benign for Marfan syndrome. Last evaluated: 2018-06-01. Review status: criteria provided, single submitter. Criteria: ACMG Guidelines, 2015. Collection method: clinical testing. Allele origin: germline. Affected: yes.

Color Diagnostics, LLC DBA Color Health
Classification: Benign for Familial thoracic aortic aneurysm and aortic dissection. Last evaluated: 2018-03-08. Review status: criteria provided, single submitter. Criteria: ACMG Guidelines, 2015. Collection method: clinical testing. Allele origin: germline.

Illumina Laboratory Services, Illumina
Classification: Benign for Stiff skin syndrome. Last evaluated: 2018-01-13. Review status: criteria provided, single submitter. Criteria: ICSL Variant Classification Criteria 13 December 2019. Collection method: clinical testing. Allele origin: germline.
Comment: This variant was observed in the ICSL laboratory as part of a predisposition screen in an ostensibly healthy population. It had not been previously curated by ICSL or reported in the Human Gene Mutation Database (HGMD: prior to June 1st, 2018), and was therefore a candidate for classification through an automated scoring system. Utilizing variant allele frequency, disease prevalence and penetrance estimates, and inheritance mode, an automated score was calculated to assess if this variant is too frequent to cause the disease. Based on the score and internal cut-off values, a variant classified as benign is not then subjected to further curation. The score for this variant resulted in a classification of benign for this disease.

Illumina Laboratory Services, Illumina
Classification: Benign for Acromicric dysplasia. Last evaluated: 2018-01-13. Review status: criteria provided, single submitter. Criteria: ICSL Variant Classification Criteria 13 December 2019. Collection method: clinical testing. Allele origin: germline.
Comment: the same text as in the submission from Illumina Laboratory Services, Illumina above.

Illumina Laboratory Services, Illumina
Classification: Uncertain significance for Familial thoracic aortic aneurysm and aortic dissection. Last evaluated: 2018-01-13. Review status: criteria provided, single submitter. Criteria: ICSL Variant Classification Criteria 13 December 2019. Collection method: clinical testing. Allele origin: germline.

Illumina Laboratory Services, Illumina
Classification: Benign for Ectopia lentis 1, isolated, autosomal dominant. Last evaluated: 2018-01-13. Review status: criteria provided, single submitter. Criteria: ICSL Variant Classification Criteria 13 December 2019. Collection method: clinical testing. Allele origin: germline.
Comment: the same text as in the submission from Illumina Laboratory Services, Illumina above.

Illumina Laboratory Services, Illumina
Classification: Benign for Geleophysic dysplasia. Last evaluated: 2018-01-13. Review status: criteria provided, single submitter. Criteria: ICSL Variant Classification Criteria 13 December 2019. Collection method: clinical testing. Allele origin: germline.
Comment: the same text as in the submission from Illumina Laboratory Services, Illumina above.

Illumina Laboratory Services, Illumina
Classification: Likely benign for Marfan syndrome. Last evaluated: 2018-01-13. Review status: criteria provided, single submitter. Criteria: ICSL Variant Classification Criteria 13 December 2019. Collection method: clinical testing. Allele origin: germline.
Comment: This variant was observed in the ICSL laboratory as part of a predisposition screen in an ostensibly healthy population. It had not been previously curated by ICSL or reported in the Human Gene Mutation Database (HGMD: prior to June 1st, 2018), and was therefore a candidate for classification through an automated scoring system. Utilizing variant allele frequency, disease prevalence and penetrance estimates, and inheritance mode, an automated score was calculated to assess if this variant is too frequent to cause the disease. Based on the score and internal cut-off values, a variant classified as likely benign is not then subjected to further curation. The score for this variant resulted in a classification of likely benign for this disease.

Illumina Laboratory Services, Illumina
Classification: Benign for Weill-Marchesani syndrome. Last evaluated: 2018-01-13. Review status: criteria provided, single submitter. Criteria: ICSL Variant Classification Criteria 13 December 2019. Collection method: clinical testing. Allele origin: germline.
Comment: the same text as in the submission from Illumina Laboratory Services, Illumina above.

Genetic Services Laboratory, University of Chicago
Classification: Benign. Last evaluated: 2017-09-13. Review status: criteria provided, single submitter. Criteria: ACMG Guidelines, 2015. Collection method: clinical testing. Allele origin: germline. Affected: no.

Eurofins Ntd Llc (ga)
Classification: Likely benign. Last evaluated: 2016-12-16. Review status: criteria provided, single submitter. Criteria: EGL Classification Definitions 2015. Collection method: clinical testing. Allele origin: germline. Observed: 1 variant allele, 1 heterozygote.

Ambry Genetics
Classification: Likely benign for Familial thoracic aortic aneurysm and aortic dissection. Last evaluated: 2015-08-17. Review status: criteria provided, single submitter. Criteria: Ambry Variant Classification Scheme 2023. Collection method: clinical testing. Allele origin: germline.

Mayo Clinic Laboratories, Mayo Clinic
Classification: Benign. Last evaluated: 2015-07-15. Review status: criteria provided, single submitter. Criteria: ACMG Guidelines, 2015. Collection method: clinical testing. Allele origin: germline. Observed: 9 variant alleles.

Laboratory for Molecular Medicine, Mass General Brigham Personalized Medicine
Classification: Benign. Last evaluated: 2014-08-18. Review status: criteria provided, single submitter. Criteria: LMM Criteria. Collection method: clinical testing. Allele origin: germline. Observed: 2 variant alleles.
Comment: Thr2834Thr in exon 65 of FBN1: This variant is not expected to have clinical sig nificance because it does not alter an amino acid residue, is not located within the splice consensus sequence and has been identified in 0.3% (28/8592) of Euro pean American chromosomes by the NHLBI Exome Sequencing Project (dbSNP rs363847).

GeneDx
Classification: Benign. Last evaluated: 2013-09-30. Review status: criteria provided, single submitter. Criteria: GeneDx Variant Classification (06012015). Collection method: clinical testing. Allele origin: germline. Affected: yes.
Comment: This variant is considered likely benign or benign based on one or more of the following criteria: it is a conservative change, it occurs at a poorly conserved position in the protein, it is predicted to be benign by multiple in silico algorithms, and/or has population frequency not consistent with disease.

Women's Health and Genetics/Laboratory Corporation of America, LabCorp
Classification: Benign for Marfan Syndrome. Last evaluated: 2011-08-18. Review status: criteria provided, single submitter. Criteria: LabCorp Variant Classification Summary - May 2015. Collection method: clinical testing. Allele origin: germline. Inheritance: autosomal unknown.
ClinVar note: Converted during submission from benign to Benign.

PreventionGenetics, part of Exact Sciences
Classification: Likely benign for FBN1-related condition. Last evaluated: 2019-12-10. Review status: no assertion criteria provided. Collection method: clinical testing. Allele origin: germline. Not counted in ClinVar's aggregate classification.
Comment: This variant is classified as likely benign based on ACMG/AMP sequence variant interpretation guidelines (Richards et al. 2015 PMID: 25741868, with internal and published modifications).

Clinical Genetics DNA and cytogenetics Diagnostics Lab, Erasmus MC, Erasmus Medical Center
Classification: Likely benign. Review status: no assertion criteria provided. Collection method: clinical testing. Allele origin: germline. Affected: yes. Study: VKGL Data-share Consensus. Not counted in ClinVar's aggregate classification.

Genome Diagnostics Laboratory, Amsterdam University Medical Center
Classification: Benign. Review status: no assertion criteria provided. Collection method: clinical testing. Allele origin: germline. Affected: yes. Study: VKGL Data-share Consensus. Not counted in ClinVar's aggregate classification.

Literature cited by the submitters: PubMed 12161601 (cited by Women's Health and Genetics/Laboratory Corporation of America, LabCorp).